The following is an entry in ClinVar:

NM_000540.3(RYR1):c.14954A>G (p.Asn4985Ser)

Gene: RYR1 (ryanodine receptor 1; plus strand). Cytogenetic location: 19q13.2.
Variant type: single nucleotide variant.
Coding change: c.14954A>G on transcript NM_000540.3 (MANE Select); coding-DNA position 14954, A replaced by G.
Protein change: p.Asn4985Ser; replaces asparagine 4985 with serine.
Molecular consequence: missense variant.
Genome position (GRCh38, 1-based): chr19:38,586,176, A>G. VCF-style: chr19-38586176-A-G. GRCh37 (hg19) VCF-style: chr19-39076816-A-G.
Other names: c.14939A>G, p.Asn4980Ser (NM_001042723.2); short protein forms N4980S, N4985S.
Identifiers: ClinVar variation 3069266 (VCV003069266.2), dbSNP rs750477516, ClinGen allele CA405693295.

ClinVar aggregate classification (germline): Uncertain significance. Review status: criteria provided, multiple submitters, no conflicts (2 of 4 stars). 2 submissions from 2 submitters: Uncertain significance (2). Last evaluated 2025-07-15.

Conditions:
Malignant hyperthermia, susceptibility to, 1 (MHS1). Also called: RYR1-Related Malignant Hyperthermia Susceptibility; Anesthesia related hyperthermia; Malignant hyperpyrexia; Fulminating hyperpyrexia; Pharmacogenic myopathy; Malignant hyperthermia suceptibility 1. Identifiers: Orphanet 423, MedGen C2930980, MONDO:0007783, OMIM 145600.

Allele frequency attached by ClinVar (database versions not stated): gnomAD 0.00001.
gnomAD v4.1: 5 of 1,613,770 alleles (0.00031%); highest among the groups gnomAD compares: Non-Finnish European, 0.00042%; no homozygotes.

Submissions (2):

Color Diagnostics, LLC DBA Color Health
Classification: Uncertain significance for Malignant hyperthermia, susceptibility to, 1. Last evaluated: 2025-07-15. Review status: criteria provided, single submitter. Criteria: ACMG Guidelines, 2015. Collection method: clinical testing. Allele origin: germline.
Comment: This missense variant replaces asparagine with serine at codon 4985 of the RYR1 protein. Computational prediction suggests that this variant may have deleterious impact on protein structure and function. Although functional studies have not been reported for this variant, it occurs in a region of RYR1 considered to be a hotspot for pathogenic variants that contribute to malignant hyperthermia susceptibility (PMID: 21118704). This variant has not been reported in individuals affected with RYR1-related disorders in the literature. This variant has not been identified in the general population by the Genome Aggregation Database (gnomAD). The available evidence is insufficient to determine the role of this variant in disease conclusively. Therefore, this variant is classified as a Variant of Uncertain Significance.

All of Us Research Program, National Institutes of Health
Classification: Uncertain significance for Malignant hyperthermia, susceptibility to, 1. Last evaluated: 2023-04-03. Review status: criteria provided, single submitter. Criteria: ACMG Guidelines, 2015. Collection method: clinical testing. Allele origin: germline. Inheritance: Autosomal dominant inheritance. Observed: 1 variant allele, 1 heterozygote.
Comment: This missense variant replaces asparagine with serine at codon 4985 of the RYR1 protein. Computational prediction suggests that this variant may have deleterious impact on protein structure and function (internally defined REVEL score threshold >= 0.7, PMID: 27666373). Although functional studies have not been reported for this variant, it occurs in a region of RYR1 considered to be a hotspot for pathogenic variants that contribute to malignant hyperthermia susceptibility (PMID: 21118704). This variant has not been reported in individuals affected with malignant hyperthermia in the literature. This variant has not been identified in the general population by the Genome Aggregation Database (gnomAD). The available evidence is insufficient to determine the role of this variant in disease conclusively. Therefore, this variant is classified as a Variant of Uncertain Significance.

This study involves interpretation of variants in research participants for the purpose of population health screening. Participant phenotype was not available at the time of variant classification. Additional details can be found in publication PMID: 35346344, PMCID: PMC8962531

Literature cited by the submitters: PubMed 21118704 (cited by Color Diagnostics, LLC DBA Color Health and All of Us Research Program, National Institutes of Health).